The following is an entry in ClinVar:

ClinVar aggregate classification (germline): Uncertain significance (1 of 4 stars; one submission).

Allele frequency attached by ClinVar (database versions not stated): gnomAD exomes below 0.00001.
gnomAD v4.1: 1 of 1,614,082 alleles (0.000062%); highest among the groups gnomAD compares: Non-Finnish European, 0.000085%; no homozygotes.

Submission:

GeneDx
Classification: Uncertain significance. Last evaluated: 2024-06-12. Review status: criteria provided, single submitter. Criteria: GeneDx Variant Classification Process June 2021. Collection method: clinical testing. Allele origin: germline. Affected: yes.
Comment: Not observed at significant frequency in large population cohorts (gnomAD); In silico analysis supports that this missense variant has a deleterious effect on protein structure/function; Has not been previously published as pathogenic or benign to our knowledge

NM_014991.6(WDFY3):c.6440G>C (p.Cys2147Ser)

Gene: WDFY3 (WD repeat and FYVE domain containing 3; minus strand). Cytogenetic location: 4q21.23.
Variant type: single nucleotide variant.
Coding change: c.6440G>C on transcript NM_014991.6 (MANE Select); coding-DNA position 6440, G replaced by C.
Protein change: p.Cys2147Ser; replaces cysteine 2147 with serine.
Molecular consequence: missense variant.
Genome position (GRCh38, 1-based): chr4:84,740,211, C>G on the plus strand (G>C on the coding strand, the complement: WDFY3 is on the minus strand). VCF-style: chr4-84740211-C-G. GRCh37 (hg19) VCF-style: chr4-85661364-C-G.
Other names: short protein forms C2147S.
Identifiers: ClinVar variation 3252523 (VCV003252523.1), dbSNP rs2532080895.
Genomic context (GRCh38, chr4:84,740,211, plus strand): 5'-AAATTTAACATGGCAAACTGAACCTAAAGGATTTACCTTCCAACATGTAGATTTATCAAG[C>G]AGTGGGCCAGACAGCTAATGAATTCTTGGTCATGGTTCCCAGGTCCCAGGATCAAGTTTC-3'
Protein context (NP_055806.2, residues 2137-2157): DQEFISCLAH[Cys2147Ser]LINLHVGSNV